The following is an entry in ClinVar:

NM_203447.4(DOCK8):c.1868+4A>T

Gene: DOCK8 (dedicator of cytokinesis 8; plus strand). Cytogenetic location: 9p24.3.
Variant type: single nucleotide variant.
Coding change: c.1868+4A>T on transcript NM_203447.4 (MANE Select); 4 bases into the intron after coding-DNA position 1868, A replaced by T.
Molecular consequence: intron variant.
Genome position (GRCh38, 1-based): chr9:370,304, A>T. VCF-style: chr9-370304-A-T. GRCh37 (hg19) VCF-style: chr9-370304-A-T.
Other names: c.1664+4A>T (NM_001193536.2, NM_001190458.2).
Identifiers: ClinVar variation 648402 (VCV000648402.6), dbSNP rs181598195, ClinGen allele CA187807187.

ClinVar aggregate classification (germline): Uncertain significance. Review status: criteria provided, multiple submitters, no conflicts (2 of 4 stars). 3 submissions from 3 submitters: Uncertain significance (3). Last evaluated 2025-02-19.

Conditions:
Combined immunodeficiency due to DOCK8 deficiency (HIES2). Also called: HIES autosomal recessive; HYPER-IgE RECURRENT INFECTION SYNDROME 2, AUTOSOMAL RECESSIVE; HYPER-IgE SYNDROME 2, AUTOSOMAL RECESSIVE, WITH RECURRENT INFECTIONS; Hyper-IgE recurrent infection syndrome, autosomal recessive; DOCK8 Deficiency. Identifiers: Orphanet 217390, MedGen C4722305, MONDO:0009478, OMIM 243700.

Allele frequency attached by ClinVar (database versions not stated): gnomAD exomes 0.00001; TOPMed 0.00001; gnomAD 0.00002; 1000 Genomes Project 30x 0.00016; 1000 Genomes Project 0.00020.

Submissions (3):

Women's Health and Genetics/Laboratory Corporation of America, LabCorp
Classification: Uncertain significance. Last evaluated: 2025-02-19. Review status: criteria provided, single submitter. Criteria: LabCorp Variant Classification Summary - May 2015. Collection method: clinical testing. Allele origin: germline.

Blueprint Genetics
Classification: Uncertain significance. Last evaluated: 2022-11-23. Review status: criteria provided, single submitter. Criteria: ACMG Guidelines, 2015. Collection method: clinical testing. Allele origin: germline.

Labcorp Genetics (formerly Invitae), Labcorp
Classification: Uncertain significance for Combined immunodeficiency due to DOCK8 deficiency. Last evaluated: 2022-07-25. Review status: criteria provided, single submitter. Criteria: Invitae Variant Classification Sherloc (09022015). Collection method: clinical testing. Allele origin: germline.
Comment: This sequence change falls in intron 16 of the DOCK8 gene. It does not directly change the encoded amino acid sequence of the DOCK8 protein. It affects a nucleotide within the consensus splice site. This variant is present in population databases (rs181598195, gnomAD 0.01%). This variant has not been reported in the literature in individuals affected with DOCK8-related conditions. ClinVar contains an entry for this variant (Variation ID: 648402). Variants that disrupt the consensus splice site are a relatively common cause of aberrant splicing (PMID: 17576681, 9536098). Algorithms developed to predict the effect of sequence changes on RNA splicing suggest that this variant may disrupt the consensus splice site. In summary, the available evidence is currently insufficient to determine the role of this variant in disease. Therefore, it has been classified as a Variant of Uncertain Significance.

Literature cited by the submitters: PubMed 17576681 (cited by Labcorp Genetics (formerly Invitae), Labcorp); PubMed 9536098 (cited by Labcorp Genetics (formerly Invitae), Labcorp).